The following is an entry in ClinVar:

ClinVar aggregate classification (germline): Likely benign. Review status: criteria provided, multiple submitters, no conflicts (2 of 4 stars). 3 submissions from 3 submitters: Likely benign (3). Last evaluated 2026-03-05.

Conditions:
RASopathy. Also called: rasopathies; Noonan spectrum disorder. Identifiers: Orphanet 536391, MedGen C5555857, MONDO:0021060.
Cardiovascular phenotype. Identifiers: MedGen CN230736.

Allele frequency attached by ClinVar (database versions not stated): TOPMed below 0.00001.

Submissions (3):

Women's Health and Genetics/Laboratory Corporation of America, LabCorp
Classification: Likely benign. Last evaluated: 2026-03-05. Review status: criteria provided, single submitter. Criteria: LabCorp Variant Classification Summary - May 2015. Collection method: clinical testing. Allele origin: germline.
Comment: Variant summary: RAF1 c.1189C>T results in a synonymous change. Consensus agreement among computation tools predict no significant impact on normal splicing. However, these predictions have yet to be confirmed by functional studies. The variant was absent in 251294 control chromosomes (gnomAD). The available data on variant occurrences in the general population are insufficient to allow any conclusion about variant significance. To our knowledge, no occurrence of c.1189C>T in individuals affected with RAF1-related conditions and no experimental evidence demonstrating its impact on protein function have been reported. ClinVar contains an entry for this variant (Variation ID: 1744272). Based on the evidence outlined above, the variant was classified as likely benign.

Labcorp Genetics (formerly Invitae), Labcorp
Classification: Likely benign for RASopathy. Last evaluated: 2025-07-21. Review status: criteria provided, single submitter. Criteria: Invitae Variant Classification Sherloc (09022015). Collection method: clinical testing. Allele origin: germline.

Ambry Genetics
Classification: Likely benign for Cardiovascular phenotype. Last evaluated: 2019-10-17. Review status: criteria provided, single submitter. Criteria: Ambry Variant Classification Scheme 2023. Collection method: clinical testing. Allele origin: germline.

NM_002880.4(RAF1):c.1189C>T (p.Leu397=)

Gene: RAF1 (Raf-1 proto-oncogene, serine/threonine kinase; minus strand). Cytogenetic location: 3p25.2.
Variant type: single nucleotide variant.
Coding change: c.1189C>T on transcript NM_002880.4 (MANE Select); coding-DNA position 1189, C replaced by T.
Protein change: p.Leu397=; no amino-acid change (leucine 397 retained).
Molecular consequence: synonymous variant. On other transcripts: non-coding transcript variant (3).
Genome position (GRCh38, 1-based): chr3:12,591,712, G>A on the plus strand (C>T on the coding strand, the complement: RAF1 is on the minus strand). VCF-style: chr3-12591712-G-A. GRCh37 (hg19) VCF-style: chr3-12633211-G-A.
Other names: c.1249C>T, p.Leu417= (NM_001354689.3); c.1189C>T, p.Leu397= (NM_001354690.3); c.946C>T, p.Leu316= (NM_001354691.3, NM_001354692.3); c.1090C>T, p.Leu364= (NM_001354693.3); c.1006C>T, p.Leu336= (NM_001354694.3); c.847C>T, p.Leu283= (NM_001354695.3).
Identifiers: ClinVar variation 1744272 (VCV001744272.4), dbSNP rs2058519855, ClinGen allele CA432273280.